The following is an entry in ClinVar:

ClinVar aggregate classification (germline): Uncertain significance (1 of 4 stars; one submission).

Conditions:
Arrhythmogenic right ventricular dysplasia 13. Also called: Arrhythmogenic right ventricular dysplasia, familial, 13; ARRHYTHMOGENIC RIGHT VENTRICULAR CARDIOMYOPATHY 13. Identifiers: MedGen C3810138, MONDO:0000908, OMIM 615616.

Submission:

Labcorp Genetics (formerly Invitae), Labcorp
Classification: Uncertain significance for Arrhythmogenic right ventricular dysplasia 13. Last evaluated: 2022-10-10. Review status: criteria provided, single submitter. Criteria: Invitae Variant Classification Sherloc (09022015). Collection method: clinical testing. Allele origin: germline.
Comment: This sequence change replaces lysine, which is basic and polar, with glutamine, which is neutral and polar, at codon 379 of the CTNNA3 protein (p.Lys379Gln). In summary, the available evidence is currently insufficient to determine the role of this variant in disease. Therefore, it has been classified as a Variant of Uncertain Significance. Advanced modeling of protein sequence and biophysical properties (such as structural, functional, and spatial information, amino acid conservation, physicochemical variation, residue mobility, and thermodynamic stability) performed at Invitae indicates that this missense variant is not expected to disrupt CTNNA3 protein function. This variant has not been reported in the literature in individuals affected with CTNNA3-related conditions. This variant is not present in population databases (gnomAD no frequency).

NM_013266.4(CTNNA3):c.1135A>C (p.Lys379Gln)

Gene: CTNNA3 (catenin alpha 3; minus strand). Cytogenetic location: 10q21.3.
Variant type: single nucleotide variant.
Coding change: c.1135A>C on transcript NM_013266.4 (MANE Select); coding-DNA position 1135, A replaced by C.
Protein change: p.Lys379Gln; replaces lysine 379 with glutamine.
Molecular consequence: missense variant.
Genome position (GRCh38, 1-based): chr10:66,766,410, T>G on the plus strand (A>C on the coding strand, the complement: CTNNA3 is on the minus strand). VCF-style: chr10-66766410-T-G. GRCh37 (hg19) VCF-style: chr10-68526168-T-G.
Other names: c.1135A>C, p.Lys379Gln (NM_001127384.3); short protein forms K379Q.
Identifiers: ClinVar variation 2015380 (VCV002015380.4), dbSNP rs2547545857, ClinGen allele CA377092083.
Genomic context (GRCh38, chr10:66,766,410, plus strand): 5'-GAACCAAAAGAGGGACTGTCGTATCCAGGAAAGAGTCTGACACATGATCTATAATAGCCT[T>G]GCGGAGCTGAGAAGAAATGAAAAATTCAGGTTTTTTTTTTCCAGGAAATAGTTCACTGTG-3'
Protein context (NP_037398.2, residues 369-389): KTRDLRRQLR[Lys379Gln]AIIDHVSDSF